The following is an entry in ClinVar:

ClinVar aggregate classification (germline): Uncertain significance (1 of 4 stars; one submission).

Conditions:
Hereditary cancer-predisposing syndrome. Also called: Neoplastic Syndromes, Hereditary; Tumor predisposition; Hereditary Cancer Syndrome; Hereditary neoplastic syndrome. Identifiers: Orphanet 140162, MedGen C0027672, MeSH D009386, MONDO:0015356.

Submission:

Ambry Genetics
Classification: Uncertain significance for Hereditary cancer-predisposing syndrome. Last evaluated: 2020-06-10. Review status: criteria provided, single submitter. Criteria: Ambry Variant Classification Scheme 2023. Collection method: clinical testing. Allele origin: germline.
Comment: The p.G223C variant (also known as c.667G>T), located in coding exon 7 of the RAD51D gene, results from a G to T substitution at nucleotide position 667. The amino acid change results in glycine to cysteine at codon 223, an amino acid with highly dissimilar properties. However, this change occurs in the last base pair of coding exon 7, which makes it likely to have some effect on normal mRNA splicing. This nucleotide position is highly conserved in available vertebrate species. In silico splice site analysis predicts that this alteration may weaken the native splice donor site and may result in the creation or strengthening of a novel splice donor site. This amino acid position is highly conserved in available vertebrate species. In addition, as a missense substitution this is predicted to be deleterious by in silico analysis. Since supporting evidence is limited at this time, the clinical significance of this alteration remains unclear.

NM_002878.4(RAD51D):c.667G>T (p.Gly223Cys)

Genes: RAD51L3-RFFL (RAD51L3-RFFL readthrough; minus strand), RAD51D (RAD51 paralog D; minus strand). Cytogenetic location: 17q12.
Variant type: single nucleotide variant.
Coding change: c.667G>T on transcript NM_002878.4 (MANE Select); coding-DNA position 667, G replaced by T.
Protein change: p.Gly223Cys; replaces glycine 223 with cysteine.
Molecular consequence: missense variant. On other transcripts: non-coding transcript variant (3).
Genome position (GRCh38, 1-based): chr17:35,103,454, C>A on the plus strand (G>T on the coding strand, the complement: RAD51D is on the minus strand). VCF-style: chr17-35103454-C-A. GRCh37 (hg19) VCF-style: chr17-33430473-C-A.
Other names: c.727G>T, p.Gly243Cys (NM_001142571.2); c.331G>T, p.Gly111Cys (NM_133629.3); short protein forms G111C, G223C, G243C.
Identifiers: ClinVar variation 1754850 (VCV001754850.2), dbSNP rs1064793247, ClinGen allele CA399087825.